The following is an entry in ClinVar:

ClinVar aggregate classification (germline): Uncertain significance. Review status: criteria provided, multiple submitters, no conflicts (2 of 4 stars). 6 submissions from 6 submitters: Uncertain significance (5). 1 of the submissions does not count toward it. Last evaluated 2025-08-20.

Conditions:
X-linked Alport syndrome (ATS1). Also called: NEPHROPATHY AND DEAFNESS, X-LINKED; COL4A5-Related Nephropathy. Identifiers: Orphanet 63, Orphanet 88917, MedGen C4746986, MONDO:0010520, OMIM 301050.

Allele frequency attached by ClinVar (database versions not stated): gnomAD 0.00001; ExAC 0.00002; gnomAD exomes 0.00001.
gnomAD v4.1: 15 of 1,209,408 alleles (0.0012%); highest among the groups gnomAD compares: Non-Finnish European, 0.0015%; no homozygotes.

Submissions (6):

Labcorp Genetics (formerly Invitae), Labcorp
Classification: Uncertain significance. Last evaluated: 2025-08-20. Review status: criteria provided, single submitter. Criteria: Invitae Variant Classification Sherloc (09022015). Collection method: clinical testing. Allele origin: germline.
Comment: This sequence change replaces arginine, which is basic and polar, with cysteine, which is neutral and slightly polar, at codon 1466 of the COL4A5 protein (p.Arg1466Cys). This variant is present in population databases (rs746184634, gnomAD 0.003%). This missense change has been observed in individual(s) with chronic kidney disease (PMID: 33712733, 36938085). ClinVar contains an entry for this variant (Variation ID: 635501). Invitae Evidence Modeling of protein sequence and biophysical properties (such as structural, functional, and spatial information, amino acid conservation, physicochemical variation, residue mobility, and thermodynamic stability) has been performed for this missense variant. However, the output from this modeling did not meet the statistical confidence thresholds required to predict the impact of this variant on COL4A5 protein function. In summary, the available evidence is currently insufficient to determine the role of this variant in disease. Therefore, it has been classified as a Variant of Uncertain Significance.

3billion
Classification: Uncertain significance for X-linked Alport syndrome. Last evaluated: 2025-07-25. Review status: criteria provided, single submitter. Criteria: ACMG Guidelines, 2015. Collection method: clinical testing. Allele origin: germline. Affected: yes.
Comment: The variant is observed at an extremely low frequency in the gnomAD v4.1.0 dataset (total allele frequency: 0.001%). Predicted Consequence/Location: Missense variant In silico tool predictions suggest damaging effect of the variant on gene or gene product [REVEL: 0.86 (>=0.6, sensitivity 0.68 and specificity 0.92)]. A different missense change at the same codon (p.Arg1472Pro) has been reported to be associated with COL4A5-related disorder (PMID: 28780565). However the evidence of pathogenicity is insufficient at this time. Therefore, this variant is classified as VUS according to the recommendation of ACMG/AMP guideline.

MVZ Medizinische Genetik Mainz
Classification: Uncertain significance for X-linked Alport syndrome. Last evaluated: 2024-08-29. Review status: criteria provided, single submitter. Criteria: UK Practice Guidelines For Variant Classification V4 01 2020. Collection method: clinical testing. Allele origin: germline. Inheritance: X-linked dominant inheritance. Affected: yes. Observed: 1 variant allele.
Comment: ACMG Criteria: PP3_MOD,PM2_SUP,PP4

Fulgent Genetics
Classification: Uncertain significance for X-linked Alport syndrome. Last evaluated: 2024-06-21. Review status: criteria provided, single submitter. Criteria: ACMG Guidelines, 2015. Collection method: clinical testing. Allele origin: germline.

GeneDx
Classification: Uncertain significance. Last evaluated: 2022-07-15. Review status: criteria provided, single submitter. Criteria: GeneDx Variant Classification Process June 2021. Collection method: clinical testing. Allele origin: germline. Affected: yes.
Comment: Not observed at significant frequency in large population cohorts (gnomAD); In silico analysis supports that this missense variant has a deleterious effect on protein structure/function; Identified in a patient with kidney disease in published literature, reported as c.4396C>T p.(R1466C) using alternate nomenclature, however, clinical information was not provided (Schrezenmeier et al., 2021); This variant is associated with the following publications: (PMID: 34767783, 33712733)

Bioscientia Institut fuer Medizinische Diagnostik GmbH, Sonic Healthcare
Classification: Uncertain significance for X-linked Alport syndrome. Last evaluated: 2018-10-25. Review status: no assertion criteria provided. Collection method: clinical testing. Allele origin: germline. Affected: yes. Not counted in ClinVar's aggregate classification.

Literature cited by the submitters: PubMed 33712733 (cited by Labcorp Genetics (formerly Invitae), Labcorp); PubMed 36938085 (cited by Labcorp Genetics (formerly Invitae), Labcorp); PubMed 28780565 (cited by 3billion).

NM_033380.3(COL4A5):c.4414C>T (p.Arg1472Cys)

Gene: COL4A5 (collagen type IV alpha 5 chain; plus strand). Cytogenetic location: Xq22.3.
Variant type: single nucleotide variant.
Coding change: c.4414C>T on transcript NM_033380.3 (MANE Select); coding-DNA position 4414, C replaced by T.
Protein change: p.Arg1472Cys; replaces arginine 1472 with cysteine.
Molecular consequence: missense variant.
Genome position (GRCh38, 1-based): chrX:108,687,580, C>T. VCF-style: chrX-108687580-C-T. GRCh37 (hg19) VCF-style: chrX-107930810-C-T.
Other names: c.4396C>T, p.Arg1466Cys (NM_000495.5); c.4414C>T (NM_033380.1); short protein forms R1466C, R1472C.
Identifiers: ClinVar variation 635501 (VCV000635501.8), dbSNP rs746184634, ClinGen allele CA10489349.